The following is an entry in ClinVar:

ClinVar aggregate classification (germline): Uncertain significance (1 of 4 stars; one submission).

gnomAD v4.1: 2 of 1,613,486 alleles (0.00012%); highest among the groups gnomAD compares: Non-Finnish European, 0.00017%; no homozygotes.

Submission:

Ambry Genetics
Classification: Uncertain significance. Last evaluated: 2021-07-14. Review status: criteria provided, single submitter. Criteria: Ambry Variant Classification Scheme 2023. Collection method: clinical testing. Allele origin: germline.
Comment: The p.P4040T variant (also known as c.12118C>A), located in coding exon 85 of the PRKDC gene, results from a C to A substitution at nucleotide position 12118. The proline at codon 4040 is replaced by threonine, an amino acid with highly similar properties. This amino acid position is conserved. In addition, the in silico prediction for this alteration is inconclusive. Since supporting evidence is limited at this time, the clinical significance of this alteration remains unclear.

NM_006904.7(PRKDC):c.12118C>A (p.Pro4040Thr)

Gene: PRKDC (protein kinase, DNA-activated, catalytic subunit; minus strand). Cytogenetic location: 8q11.21.
Variant type: single nucleotide variant.
Coding change: c.12118C>A on transcript NM_006904.7 (MANE Select); coding-DNA position 12118, C replaced by A.
Protein change: p.Pro4040Thr; replaces proline 4040 with threonine.
Molecular consequence: missense variant.
Genome position (GRCh38, 1-based): chr8:47,776,908, G>T on the plus strand (C>A on the coding strand, the complement: PRKDC is on the minus strand). VCF-style: chr8-47776908-G-T. GRCh37 (hg19) VCF-style: chr8-48689469-G-T.
Other names: c.12025C>A, p.Pro4009Thr (NM_001081640.2); short protein forms P4040T, P4009T.
Identifiers: ClinVar variation 1750411 (VCV001750411.2), dbSNP rs1452784629, ClinGen allele CA371127045.